The following is an entry in ClinVar:

NM_001348323.3(TRIP12):c.5739T>G (p.Phe1913Leu)

Gene: TRIP12 (thyroid hormone receptor interactor 12; minus strand). Cytogenetic location: 2q36.3.
Variant type: single nucleotide variant.
Coding change: c.5739T>G on transcript NM_001348323.3 (MANE Select); coding-DNA position 5739, T replaced by G.
Protein change: p.Phe1913Leu; replaces phenylalanine 1913 with leucine.
Molecular consequence: missense variant.
Genome position (GRCh38, 1-based): chr2:229,771,588, A>C on the plus strand (T>G on the coding strand, the complement: TRIP12 is on the minus strand). VCF-style: chr2-229771588-A-C. GRCh37 (hg19) VCF-style: chr2-230636304-A-C.
Other names: c.5613T>G, p.Phe1871Leu (NM_001284215.2, NM_001348316.2); c.4704T>G, p.Phe1568Leu (NM_001284216.2); c.5658T>G, p.Phe1886Leu (NM_001348315.2, NM_001284214.2); c.5598T>G, p.Phe1866Leu (NM_001348317.1, NM_001348318.2); c.5724T>G, p.Phe1908Leu (NM_001348319.1, NM_001348320.2); c.5727T>G, p.Phe1909Leu (NM_001348321.1); c.5739T>G, p.Phe1913Leu (NM_001348322.1, NM_001348324.2, NM_001348325.2 and 2 more transcripts); c.5742T>G, p.Phe1914Leu (NM_001348329.2, NM_001348330.2, NM_001348328.1); and 4 more; short protein forms F1568L, F1838L, F1839L, F1866L, F1871L, F1879L, F1886L, F1887L.
Identifiers: ClinVar variation 5017562 (VCV005017562.1).

ClinVar aggregate classification (germline): Uncertain significance (1 of 4 stars; one submission).

Submission:

GeneDx
Classification: Uncertain significance. Last evaluated: 2026-03-26. Review status: criteria provided, single submitter. Criteria: GeneDx Variant Classification Process June 2021. Collection method: clinical testing. Allele origin: germline.
Comment: Not observed at significant frequency in large population cohorts (gnomAD); In silico analysis suggests that this missense variant does not alter protein structure/function; Has not been previously published as pathogenic or benign to our knowledge